The following is an entry in ClinVar:

ClinVar aggregate classification (germline): Likely benign. Review status: criteria provided, multiple submitters, no conflicts (2 of 4 stars). 3 submissions from 3 submitters: Likely benign (3). Last evaluated 2025-05-14.

Conditions:
Cardiovascular phenotype. Identifiers: MedGen CN230736.
3-Methylglutaconic aciduria type 2 (BTHS). Also called: CARDIOSKELETAL MYOPATHY WITH NEUTROPENIA AND ABNORMAL MITOCHONDRIA; Barth syndrome. Identifiers: Orphanet 111, MedGen C0574083, MONDO:0010543, OMIM 302060.

Allele frequency attached by ClinVar (database versions not stated): gnomAD exomes below 0.00001; gnomAD 0.00003; TOPMed 0.00004; ESP Exome Variant Server 0.00009.
gnomAD v4.1: 6 of 1,211,068 alleles (0.0005%); highest among the groups gnomAD compares: African/African-American, 0.007%; no homozygotes.

Submissions (3):

Labcorp Genetics (formerly Invitae), Labcorp
Classification: Likely benign for 3-Methylglutaconic aciduria type 2. Last evaluated: 2025-05-14. Review status: criteria provided, single submitter. Criteria: Invitae Variant Classification Sherloc (09022015). Collection method: clinical testing. Allele origin: germline.

Ambry Genetics
Classification: Likely benign for Cardiovascular phenotype. Last evaluated: 2022-07-29. Review status: criteria provided, single submitter. Criteria: Ambry Variant Classification Scheme 2023. Collection method: clinical testing. Allele origin: germline.

GeneDx
Classification: Likely benign. Last evaluated: 2016-07-21. Review status: criteria provided, single submitter. Criteria: GeneDx Variant Classification (06012015). Collection method: clinical testing. Allele origin: germline. Affected: yes.
Comment: This variant is considered likely benign or benign based on one or more of the following criteria: it is a conservative change, it occurs at a poorly conserved position in the protein, it is predicted to be benign by multiple in silico algorithms, and/or has population frequency not consistent with disease.

NM_000116.5(TAFAZZIN):c.321G>A (p.Glu107=)

Gene: TAFAZZIN (tafazzin, phospholipid-lysophospholipid transacylase; plus strand). Cytogenetic location: Xq28.
Variant type: single nucleotide variant.
Coding change: c.321G>A on transcript NM_000116.5 (MANE Select); coding-DNA position 321, G replaced by A.
Protein change: p.Glu107=; no amino-acid change (glutamic acid 107 retained).
Molecular consequence: synonymous variant. On other transcripts: non-coding transcript variant (1).
Genome position (GRCh38, 1-based): chrX:154,413,518, G>A. VCF-style: chrX-154413518-G-A. GRCh37 (hg19) VCF-style: chrX-153641855-G-A.
Other names: c.375G>A, p.Glu125= (NM_001303465.2); c.321G>A, p.Glu107= (NM_181311.4, NM_181312.4, NM_181313.4).
Identifiers: ClinVar variation 387263 (VCV000387263.7), dbSNP rs143525004, ClinGen allele CA16608351.
Genomic context (GRCh38, chrX:154,413,518, plus strand): 5'-CTAATTGCATCTGTCCCTGCTTAGGACCCCTGCAGCTGCAGACATCTGCTTCACCAAGGA[G>A]CTACACTCCCACTTCTTCAGCTTGGGCAAGTGTGTGCCTGTGTGCCGAGGTGAGCTGCTC-3'
Protein context (NP_000107.1, residues 97-117): PAAADICFTK[Glu107=]LHSHFFSLGK